The following is an entry in ClinVar:

NM_001904.4(CTNNB1):c.1295A>G (p.Tyr432Cys)

Genes: CTNNB1 (catenin beta 1; plus strand), LOC126806659 (BRD4-independent group 4 enhancer GRCh37_chr3:41274918-41276117; plus strand). Cytogenetic location: 3p22.1.
Variant type: single nucleotide variant.
Coding change: c.1295A>G on transcript NM_001904.4 (MANE Select); coding-DNA position 1295, A replaced by G.
Protein change: p.Tyr432Cys; replaces tyrosine 432 with cysteine.
Molecular consequence: missense variant.
Genome position (GRCh38, 1-based): chr3:41,233,638, A>G. VCF-style: chr3-41233638-A-G. GRCh37 (hg19) VCF-style: chr3-41275129-A-G.
Other names: c.1295A>G, p.Tyr432Cys (NM_001098209.2, NM_001098210.2); c.1274A>G, p.Tyr425Cys (NM_001330729.2); short protein forms Y425C, Y432C.
Identifiers: ClinVar variation 2956852 (VCV002956852.3), dbSNP rs1559474356, ClinGen allele CA352232901.

ClinVar aggregate classification (germline): Uncertain significance (1 of 4 stars; one submission).

Allele frequency attached by ClinVar (database versions not stated): gnomAD exomes below 0.00001; gnomAD 0.00001.
gnomAD v4.1: 4 of 1,614,070 alleles (0.00025%); highest among the groups gnomAD compares: Admixed American, 0.0017%; no homozygotes.

Submission:

Labcorp Genetics (formerly Invitae), Labcorp
Classification: Uncertain significance. Last evaluated: 2025-07-28. Review status: criteria provided, single submitter. Criteria: Invitae Variant Classification Sherloc (09022015). Collection method: clinical testing. Allele origin: germline.
Comment: This sequence change replaces tyrosine, which is neutral and polar, with cysteine, which is neutral and slightly polar, at codon 432 of the CTNNB1 protein (p.Tyr432Cys). This variant is not present in population databases (gnomAD no frequency). This variant has not been reported in the literature in individuals affected with CTNNB1-related conditions. ClinVar contains an entry for this variant (Variation ID: 2956852). Invitae Evidence Modeling of protein sequence and biophysical properties (such as structural, functional, and spatial information, amino acid conservation, physicochemical variation, residue mobility, and thermodynamic stability) indicates that this missense variant is not expected to disrupt CTNNB1 protein function with a negative predictive value of 80%. In summary, the available evidence is currently insufficient to determine the role of this variant in disease. Therefore, it has been classified as a Variant of Uncertain Significance.